The following is an entry in ClinVar:

NM_004586.3(RPS6KA3):c.1925G>C (p.Gly642Ala)

Gene: RPS6KA3 (ribosomal protein S6 kinase A3; minus strand). Cytogenetic location: Xp22.12.
Variant type: single nucleotide variant.
Coding change: c.1925G>C on transcript NM_004586.3 (MANE Select); coding-DNA position 1925, G replaced by C.
Protein change: p.Gly642Ala; replaces glycine 642 with alanine.
Molecular consequence: missense variant.
Genome position (GRCh38, 1-based): chrX:20,161,678, C>G on the plus strand (G>C on the coding strand, the complement: RPS6KA3 is on the minus strand). VCF-style: chrX-20161678-C-G. GRCh37 (hg19) VCF-style: chrX-20179796-C-G.
Other names: short protein forms G642A.
Identifiers: ClinVar variation 3359558 (VCV003359558.2).

ClinVar aggregate classification (germline): Uncertain significance. Review status: criteria provided, multiple submitters, no conflicts (2 of 4 stars). 2 submissions from 2 submitters: Uncertain significance (2). Last evaluated 2026-08-18.

Conditions:
RPS6KA3-related disorder. Also called: RPS6KA3-related condition.

Submissions (2):

PreventionGenetics, part of Exact Sciences
Classification: Uncertain significance for RPS6KA3-related condition. Last evaluated: 2026-08-18. Review status: criteria provided, single submitter. Criteria: ACMG Guidelines, 2015. Collection method: clinical testing. Allele origin: germline.
Comment: The RPS6KA3 c.1925G>C variant is predicted to result in the amino acid substitution p.Gly642Ala. To our knowledge, this variant has not been reported in the literature or in a large population database (gnomAD), indicating this variant is rare. At this time, the clinical significance of this variant is uncertain due to the absence of conclusive functional and genetic evidence.

GeneDx
Classification: Uncertain significance. Last evaluated: 2024-02-08. Review status: criteria provided, single submitter. Criteria: GeneDx Variant Classification Process June 2021. Collection method: clinical testing. Allele origin: germline. Affected: yes.
Comment: Not observed at significant frequency in large population cohorts (gnomAD); In silico analysis supports that this missense variant has a deleterious effect on protein structure/function; Has not been previously published as pathogenic or benign to our knowledge